The following is an entry in ClinVar:

NM_015559.3(SETBP1):c.290A>T (p.Asn97Ile)

Gene: SETBP1 (SET binding protein 1; plus strand). Cytogenetic location: 18q12.3.
Variant type: single nucleotide variant.
Coding change: c.290A>T on transcript NM_015559.3 (MANE Select); coding-DNA position 290, A replaced by T.
Protein change: p.Asn97Ile; replaces asparagine 97 with isoleucine.
Molecular consequence: missense variant.
Genome position (GRCh38, 1-based): chr18:44,701,636, A>T. VCF-style: chr18-44701636-A-T. GRCh37 (hg19) VCF-style: chr18-42281601-A-T.
Other names: c.290A>T (NM_015559.2); c.290A>T, p.Asn97Ile (NM_001130110.2, NM_001379141.1, NM_001379142.1 and 1 more transcripts); short protein forms N97I.
Identifiers: ClinVar variation 2007007 (VCV002007007.5), dbSNP rs2511333405, ClinGen allele CA402481850.
Genomic context (GRCh38, chr18:44,701,636, plus strand): 5'-GTGAGAAATGGGTGGCAGGAGATGGTTTGGAAGAGCAGGAATTTTCTATCAAGGAGGCAA[A>T]CTTCACAGAGGGAAGTCTGAAGCTAAAGATTCAGACCACAAAGCGGGCTAAGAAACCCCC-3'
Protein context (NP_056374.2, residues 87-107): EEQEFSIKEA[Asn97Ile]FTEGSLKLKI

ClinVar aggregate classification (germline): Uncertain significance. Review status: criteria provided, multiple submitters, no conflicts (2 of 4 stars). 2 submissions from 2 submitters: Uncertain significance (2). Last evaluated 2024-08-09.

Submissions (2):

GeneDx
Classification: Uncertain significance. Last evaluated: 2024-08-09. Review status: criteria provided, single submitter. Criteria: GeneDx Variant Classification Process June 2021. Collection method: clinical testing. Allele origin: germline. Affected: yes.
Comment: Not observed at significant frequency in large population cohorts (gnomAD); In silico analysis supports that this missense variant has a deleterious effect on protein structure/function; Has not been previously published as pathogenic or benign to our knowledge

Labcorp Genetics (formerly Invitae), Labcorp
Classification: Uncertain significance. Last evaluated: 2022-06-15. Review status: criteria provided, single submitter. Criteria: Invitae Variant Classification Sherloc (09022015). Collection method: clinical testing. Allele origin: germline.
Comment: In summary, the available evidence is currently insufficient to determine the role of this variant in disease. Therefore, it has been classified as a Variant of Uncertain Significance. Algorithms developed to predict the effect of missense changes on protein structure and function are either unavailable or do not agree on the potential impact of this missense change (SIFT: "Deleterious"; PolyPhen-2: "Probably Damaging"; Align-GVGD: "Class C15"). This variant has not been reported in the literature in individuals affected with SETBP1-related conditions. This sequence change replaces asparagine, which is neutral and polar, with isoleucine, which is neutral and non-polar, at codon 97 of the SETBP1 protein (p.Asn97Ile). This variant is not present in population databases (gnomAD no frequency).